The following is an entry in ClinVar:

NM_001165963.4(SCN1A):c.5831A>T (p.Lys1944Ile)

Genes: SCN1A (sodium voltage-gated channel alpha subunit 1; minus strand), LOC102724058 (uncharacterized LOC102724058; plus strand). Cytogenetic location: 2q24.3.
Variant type: single nucleotide variant.
Coding change: c.5831A>T on transcript NM_001165963.4 (MANE Select); coding-DNA position 5831, A replaced by T.
Protein change: p.Lys1944Ile; replaces lysine 1944 with isoleucine.
Molecular consequence: missense variant. On other transcripts: non-coding transcript variant (1).
Genome position (GRCh38, 1-based): chr2:165,991,444, T>A on the plus strand (A>T on the coding strand, the complement: SCN1A is on the minus strand). VCF-style: chr2-165991444-T-A. GRCh37 (hg19) VCF-style: chr2-166847954-T-A.
Other names: c.5747A>T, p.Lys1916Ile (NM_001165964.3, NM_001353957.2, NM_001353958.2); c.5831A>T, p.Lys1944Ile (NM_001202435.3, NM_001353948.2); c.5798A>T, p.Lys1933Ile (NM_001353949.2, NM_001353950.2, NM_001353951.2 and 2 more transcripts); c.5795A>T, p.Lys1932Ile (NM_001353954.2, NM_001353955.2); c.5744A>T, p.Lys1915Ile (NM_001353960.2); c.3389A>T, p.Lys1130Ile (NM_001353961.2); short protein forms K1130I, K1916I, K1915I, K1932I, K1933I, K1944I.
Identifiers: ClinVar variation 1431209 (VCV001431209.7), dbSNP rs753059561, ClinGen allele CA1942635.

ClinVar aggregate classification (germline): Uncertain significance (1 of 4 stars; one submission).

Conditions:
Developmental and epileptic encephalopathy. Identifiers: MedGen C5779964, MONDO:0100620.

Allele frequency attached by ClinVar (database versions not stated): gnomAD exomes below 0.00001; ExAC 0.00001; gnomAD 0.00001.
gnomAD v4.1: 14 of 1,613,770 alleles (0.00087%); highest among the groups gnomAD compares: African/African-American, 0.0013%; no homozygotes.

Submission:

Labcorp Genetics (formerly Invitae), Labcorp
Classification: Uncertain significance for Early-infantile DEE. Last evaluated: 2023-10-27. Review status: criteria provided, single submitter. Criteria: Invitae Variant Classification Sherloc (09022015). Collection method: clinical testing. Allele origin: germline.
Comment: This sequence change replaces lysine, which is basic and polar, with isoleucine, which is neutral and non-polar, at codon 1944 of the SCN1A protein (p.Lys1944Ile). This variant is present in population databases (rs753059561, gnomAD 0.0009%). This variant has not been reported in the literature in individuals affected with SCN1A-related conditions. ClinVar contains an entry for this variant (Variation ID: 1431209). Advanced modeling of protein sequence and biophysical properties (such as structural, functional, and spatial information, amino acid conservation, physicochemical variation, residue mobility, and thermodynamic stability) has been performed at Invitae for this missense variant, however the output from this modeling did not meet the statistical confidence thresholds required to predict the impact of this variant on SCN1A protein function. In summary, the available evidence is currently insufficient to determine the role of this variant in disease. Therefore, it has been classified as a Variant of Uncertain Significance.